The following is an entry in ClinVar:

NM_182746.3(MCM4):c.1672C>G (p.Leu558Val)

Gene: MCM4 (minichromosome maintenance complex component 4; plus strand). Cytogenetic location: 8q11.21.
Variant type: single nucleotide variant.
Coding change: c.1672C>G on transcript NM_182746.3 (MANE Select); coding-DNA position 1672, C replaced by G.
Protein change: p.Leu558Val; replaces leucine 558 with valine.
Molecular consequence: missense variant.
Genome position (GRCh38, 1-based): chr8:47,970,748, C>G. VCF-style: chr8-47970748-C-G. GRCh37 (hg19) VCF-style: chr8-48883308-C-G.
Other names: c.1672C>G, p.Leu558Val (NM_005914.4); short protein forms L558V.
Identifiers: ClinVar variation 2981835 (VCV002981835.2), dbSNP rs1185101361, ClinGen allele CA371152620.

ClinVar aggregate classification (germline): Uncertain significance (1 of 4 stars; one submission).

Allele frequency attached by ClinVar (database versions not stated): TOPMed below 0.00001; gnomAD 0.00001.
gnomAD v4.1: 2 of 1,614,100 alleles (0.00012%); highest among the groups gnomAD compares: African/African-American, 0.0013%; no homozygotes.

Submission:

Labcorp Genetics (formerly Invitae), Labcorp
Classification: Uncertain significance. Last evaluated: 2025-12-24. Review status: criteria provided, single submitter. Criteria: Invitae Variant Classification Sherloc (09022015). Collection method: clinical testing. Allele origin: germline.
Comment: This sequence change replaces leucine, which is neutral and non-polar, with valine, which is neutral and non-polar, at codon 558 of the MCM4 protein (p.Leu558Val). This variant is present in population databases (no rsID available, gnomAD no frequency). This variant has not been reported in the literature in individuals affected with MCM4-related conditions. ClinVar contains an entry for this variant (Variation ID: 2981835). Invitae Evidence Modeling of protein sequence and biophysical properties (such as structural, functional, and spatial information, amino acid conservation, physicochemical variation, residue mobility, and thermodynamic stability) indicates that this missense variant is expected to disrupt MCM4 protein function with a positive predictive value of 80%. In summary, the available evidence is currently insufficient to determine the role of this variant in disease. Therefore, it has been classified as a Variant of Uncertain Significance.